The following is an entry in ClinVar:

NM_017514.5(PLXNA3):c.300G>A (p.Leu100=)

Gene: PLXNA3 (plexin A3; plus strand). Cytogenetic location: Xq28.
Variant type: single nucleotide variant.
Coding change: c.300G>A on transcript NM_017514.5 (MANE Select); coding-DNA position 300, G replaced by A.
Protein change: p.Leu100=; no amino-acid change (leucine 100 retained).
Molecular consequence: synonymous variant.
Genome position (GRCh38, 1-based): chrX:154,460,483, G>A. VCF-style: chrX-154460483-G-A. GRCh37 (hg19) VCF-style: chrX-153688823-G-A.
Identifiers: ClinVar variation 3355159 (VCV003355159.1).
Genomic context (GRCh38, chrX:154,460,483, plus strand): 5'-CCCCAGCATGCGCGTGTGTGCCCACCGCCTGGCCCCCGTGGACAACATCAACAAGCTGCT[G>A]CTCATAGACTATGCGGCCCGCCGCCTGGTGGCCTGCGGCAGCATCTGGCAGGGCATCTGC-3'
Protein context (NP_059984.3, residues 90-110): LAPVDNINKL[Leu100=]LIDYAARRLV

ClinVar aggregate classification (germline): Likely benign (0 of 4 stars; one submission).

Conditions:
PLXNA3-related disorder. Also called: PLXNA3-related condition.

gnomAD v4.1: 1 of 1,209,145 alleles (0.000083%); highest among the groups gnomAD compares: African/African-American, 0.0017%; no homozygotes.

Submission:

PreventionGenetics, part of Exact Sciences
Classification: Likely benign for PLXNA3-related condition. Last evaluated: 2022-08-26. Review status: no assertion criteria provided. Collection method: clinical testing. Allele origin: germline.
Comment: This variant is classified as likely benign based on ACMG/AMP sequence variant interpretation guidelines (Richards et al. 2015 PMID: 25741868, with internal and published modifications).